The following is an entry in ClinVar:

ClinVar aggregate classification (germline): Likely pathogenic. Review status: criteria provided, single submitter (1 of 4 stars). 2 submissions from 2 submitters: Likely pathogenic (1). 1 of the submissions does not count toward it. Last evaluated 2026-03-01.

Conditions:
Retinitis pigmentosa (RP). Identifiers: Orphanet 791, MedGen C0035334, MeSH D012174, MONDO:0019200, OMIM 268000. Inheritance: Autosomal dominant, autosomal recessive and X linked inheritance.
Retinitis pigmentosa 14 (RP14). Also called: RETINITIS PIGMENTOSA, JUVENILE, TULP1-RELATED. Identifiers: Orphanet 791, MedGen C1838603, MONDO:0010827, OMIM 600132.

Submissions (2):

Medical Molecular Genetics Department, National Research Center
Classification: Likely pathogenic for Retinitis pigmentosa 14. Last evaluated: 2026-03-01. Review status: criteria provided, single submitter. Criteria: ACMG Guidelines, 2015. Collection method: research. Allele origin: germline. Affected: yes. Observed: 1 variant allele.
Comment: TULP1 c.1301G>A (p.Arg434Lys): Rare in gnomAD (AF=0.00002). Compound heterozygous with novel variant. ClinVar RCV001003240 support. Conserved Tubby domain residue. Segregates with RP. Classified Likely pathogenic (PM2,PM3,PP3)

Sharon lab, Hadassah-Hebrew University Medical Center
Classification: Pathogenic for Retinitis pigmentosa. Last evaluated: 2019-06-23. Review status: no assertion criteria provided. Collection method: research. Allele origin: inherited. Affected: yes. Not counted in ClinVar's aggregate classification.

NM_003322.6(TULP1):c.1301G>A (p.Arg434Lys)

Gene: TULP1 (TUB like protein 1; minus strand). Cytogenetic location: 6p21.31.
Variant type: single nucleotide variant.
Coding change: c.1301G>A on transcript NM_003322.6 (MANE Select); coding-DNA position 1301, G replaced by A.
Protein change: p.Arg434Lys; replaces arginine 434 with lysine.
Molecular consequence: missense variant.
Genome position (GRCh38, 1-based): chr6:35,503,581, C>T on the plus strand (G>A on the coding strand, the complement: TULP1 is on the minus strand). VCF-style: chr6-35503581-C-T. GRCh37 (hg19) VCF-style: chr6-35471358-C-T.
Other names: p.Arg434Lys; c.1142G>A, p.Arg381Lys (NM_001289395.2); short protein forms R381K, R434K.
Identifiers: ClinVar variation 812439 (VCV000812439.2), dbSNP rs1581738478, ClinGen allele CA363779070.
Genomic context (GRCh38, chr6:35,503,581, plus strand): 5'-ACATAGGGAGCCAGGGGCCAGGGAGGTGCGGGGCTCACATTTCGGGGCCGGATGGGGACC[C>T]TCTCGTTCTCCGCACTCATGCCAGGAATGATGACGGTCATGCGCCGGGGGCCACGGAAGC-3'
Protein context (NP_003313.3, residues 424-444): IIPGMSAENE[Arg434Lys]VPIRPRNASD